The following is an entry in ClinVar:

NM_001130438.3(SPTAN1):c.1105G>C (p.Asp369His)

Gene: SPTAN1 (spectrin alpha, non-erythrocytic 1; plus strand). Cytogenetic location: 9q34.11.
Variant type: single nucleotide variant.
Coding change: c.1105G>C on transcript NM_001130438.3 (MANE Select); coding-DNA position 1105, G replaced by C.
Protein change: p.Asp369His; replaces aspartic acid 369 with histidine.
Molecular consequence: missense variant.
Genome position (GRCh38, 1-based): chr9:128,578,129, G>C. VCF-style: chr9-128578129-G-C. GRCh37 (hg19) VCF-style: chr9-131340408-G-C.
Other names: c.1105G>C, p.Asp369His (NM_001195532.2, NM_001363759.2, NM_001363765.2 and 5 more transcripts); c.1141G>C, p.Asp381His (NM_001375312.2, NM_001375318.1); c.1105G>C (NM_001130438.2); short protein forms D369H, D381H.
Identifiers: ClinVar variation 2087115 (VCV002087115.5), dbSNP rs2541067175, ClinGen allele CA375051294.

ClinVar aggregate classification (germline): Uncertain significance. Review status: criteria provided, multiple submitters, no conflicts (2 of 4 stars). 2 submissions from 2 submitters: Uncertain significance (2). Last evaluated 2023-04-25.

Conditions:
Early-infantile DEE. Also called: Ohtahara syndrome; Early infantile epileptic encephalopathy with suppression bursts; Early infantile epileptic encephalopathy. Identifiers: Orphanet 1934, MedGen C0393706, MONDO:0800491.

Submissions (2):

Labcorp Genetics (formerly Invitae), Labcorp
Classification: Uncertain significance for Early-infantile DEE. Last evaluated: 2023-04-25. Review status: criteria provided, single submitter. Criteria: Invitae Variant Classification Sherloc (09022015). Collection method: clinical testing. Allele origin: germline.
Comment: In summary, the available evidence is currently insufficient to determine the role of this variant in disease. Therefore, it has been classified as a Variant of Uncertain Significance. Advanced modeling of protein sequence and biophysical properties (such as structural, functional, and spatial information, amino acid conservation, physicochemical variation, residue mobility, and thermodynamic stability) has been performed at Invitae for this missense variant, however the output from this modeling did not meet the statistical confidence thresholds required to predict the impact of this variant on SPTAN1 protein function. ClinVar contains an entry for this variant (Variation ID: 2087115). This variant has not been reported in the literature in individuals affected with SPTAN1-related conditions. This variant is not present in population databases (gnomAD no frequency). This sequence change replaces aspartic acid, which is acidic and polar, with histidine, which is basic and polar, at codon 369 of the SPTAN1 protein (p.Asp369His).

GeneDx
Classification: Uncertain significance. Last evaluated: 2023-03-05. Review status: criteria provided, single submitter. Criteria: GeneDx Variant Classification Process June 2021. Collection method: clinical testing. Allele origin: germline. Affected: yes.
Comment: Not observed at significant frequency in large population cohorts (gnomAD); In silico analysis supports that this missense variant has a deleterious effect on protein structure/function; Has not been previously published as pathogenic or benign to our knowledge